The following is an entry in ClinVar:

ClinVar aggregate classification (germline): Conflicting classifications of pathogenicity. Review status: criteria provided, conflicting classifications (1 of 4 stars). 2 submissions from 2 submitters: Uncertain significance (1); Likely benign (1). Last evaluated 2025-04-25.

Conditions:
Inborn genetic diseases. Identifiers: MedGen C0950123, MeSH D030342.

gnomAD v4.1: 2 of 1,214,708 alleles (0.00016%); highest among the groups gnomAD compares: African/African-American, 0.0032%; no homozygotes.

Submissions (2):

Ambry Genetics
Classification: Likely benign for Inborn genetic diseases. Last evaluated: 2025-04-25. Review status: criteria provided, single submitter. Criteria: Ambry Variant Classification Scheme 2023. Collection method: clinical testing. Allele origin: germline.

Women's Health and Genetics/Laboratory Corporation of America, LabCorp
Classification: Uncertain significance. Last evaluated: 2024-07-08. Review status: criteria provided, single submitter. Criteria: LabCorp Variant Classification Summary - May 2015. Collection method: clinical testing. Allele origin: germline.
Comment: Variant summary: PIK3R2 c.730C>T (p.Arg244Trp) results in a non-conservative amino acid change located in the Rho GTPase-activating protein domain (IPR000198) of the encoded protein sequence. Three of five in-silico tools predict a benign effect of the variant on protein function. The frequency data for this variant in gnomAD is considered unreliable, as metrics indicate poor data quality at this position. To our knowledge, no occurrence of c.730C>T in individuals affected with Megalencephaly-Polymicrogyria Syndrome 1 and no experimental evidence demonstrating its impact on protein function have been reported. No submitters have cited clinical-significance assessments for this variant to ClinVar. Based on the evidence outlined above, the variant was classified as uncertain significance.

NM_005027.4(PIK3R2):c.730C>T (p.Arg244Trp)

Genes: PIK3R2 (phosphoinositide-3-kinase regulatory subunit 2; plus strand), LOC130063979 (ATAC-STARR-seq lymphoblastoid silent region 10375; plus strand). Cytogenetic location: 19p13.11.
Variant type: single nucleotide variant.
Coding change: c.730C>T on transcript NM_005027.4 (MANE Select); coding-DNA position 730, C replaced by T.
Protein change: p.Arg244Trp; replaces arginine 244 with tryptophan.
Molecular consequence: missense variant. On other transcripts: non-coding transcript variant (1).
Genome position (GRCh38, 1-based): chr19:18,161,410, C>T. VCF-style: chr19-18161410-C-T. GRCh37 (hg19) VCF-style: chr19-18272220-C-T.
Other names: c.730C>T (NM_005027.2); short protein forms R244W.
Identifiers: ClinVar variation 3339059 (VCV003339059.2).